The following is an entry in ClinVar:

NM_001034853.2(RPGR):c.2474_2475insT (p.Glu825fs)

Gene: RPGR (retinitis pigmentosa GTPase regulator; minus strand). Cytogenetic location: Xp11.4.
Variant type: Insertion.
Coding change: c.2474_2475insT on transcript NM_001034853.2 (MANE Select); coding-DNA positions 2474 to 2475, T inserted.
Protein change: p.Glu825fs; shifts the reading frame from glutamic acid 825.
Molecular consequence: frameshift variant. On other transcripts: intron variant (8).
Genome position: GRCh38 VCF-style: chrX-38286524-C-CA. GRCh37 (hg19) VCF-style: chrX-38145777-C-CA.
Other names: c.1569+4434_1569+4435insT (NM_001367249.1, NM_001367250.1); c.1902+569_1902+570insT (NM_001367245.1); c.1386+4434_1386+4435insT (NM_001367251.1); c.1719+569_1719+570insT (NM_001367246.1); c.1572+4434_1572+4435insT (NM_001367247.1); c.1905+569_1905+570insT (NM_000328.3); c.1602+4434_1602+4435insT (NM_001367248.1); short protein forms E825fs.
Identifiers: ClinVar variation 1297112 (VCV001297112.2), dbSNP rs2147197552, ClinGen allele CA2499226688.
Genomic context (GRCh38, chrX:38,286,524, plus strand): 5'-CTCCTCTTCCCCCTCCCCTTCCTCCTCTTCCCCCTCACCCTCCTCCTCTTCCTCTTCCCT[C>CA]TCTCCTTTCCCCTCCTCTACTTCCCCTCCCTCTACTTCCCCTCCCTCCTCTTTTTCCTCC-3'

ClinVar aggregate classification (germline): Likely pathogenic (1 of 4 stars; one submission).

Conditions:
Retinitis pigmentosa (RP). Identifiers: Orphanet 791, MedGen C0035334, MeSH D012174, MONDO:0019200, OMIM 268000. Inheritance: Autosomal dominant, autosomal recessive and X linked inheritance.

Submission:

Broad Center for Mendelian Genomics, Broad Institute of MIT and Harvard
Classification: Likely pathogenic for Retinitis pigmentosa. Last evaluated: 2021-04-01. Review status: criteria provided, single submitter. Criteria: ACMG Guidelines, 2015. Collection method: curation. Allele origin: germline. Inheritance: X-linked inheritance. Affected: yes.
Comment: Through a review of available evidence we were able to apply the following criteria: PVS1, PM2. Based on this evidence we have classified this variant as Likely Pathogenic. If you have any questions about the classification please reach out to the Pierce Lab.

Literature cited by the submitters: PubMed 34906470.